The following is an entry in ClinVar:

NM_004614.5(TK2):c.449+130C>T

Gene: TK2 (thymidine kinase 2; minus strand). Cytogenetic location: 16q21.
Variant type: single nucleotide variant.
Coding change: c.449+130C>T on transcript NM_004614.5 (MANE Select); 130 bases into the intron after coding-DNA position 449, C replaced by T.
Molecular consequence: intron variant.
Genome position (GRCh38, 1-based): chr16:66,528,864, G>A on the plus strand (C>T on the coding strand, the complement: TK2 is on the minus strand). VCF-style: chr16-66528864-G-A. GRCh37 (hg19) VCF-style: chr16-66562767-G-A.
Other names: c.356+130C>T (NM_001271935.1, NM_001172643.1); c.374+130C>T (NM_001172644.2); c.395+130C>T (NM_001172645.2); c.302+130C>T (NM_001271934.2); c.158+130C>T (NM_001272050.2).
Identifiers: ClinVar variation 676458 (VCV000676458.1), dbSNP rs9930226, ClinGen allele CA282187427.
Genomic context (GRCh38, chr16:66,528,864, plus strand): 5'-GACTGGGCAATGAATGCAGATAGCTGTCTGCCATGAGGATTCGTGGCTGTTTGTTACACC[G>A]CATTGCTATGGCAATGGATAACTGATACAACAGCGGGTACTCCATATCTGTCAATCGAAT-3'

ClinVar aggregate classification (germline): Benign (1 of 4 stars; one submission).

Allele frequency attached by ClinVar (database versions not stated): gnomAD exomes 0.00617; gnomAD 0.05321 and 0.05702; TOPMed 0.05967; 1000 Genomes Project 0.06070; 1000 Genomes Project 30x 0.06355.

Submission:

GeneDx
Classification: Benign. Last evaluated: 2018-06-19. Review status: criteria provided, single submitter. Criteria: GeneDx Variant Classification (06012015). Collection method: clinical testing. Allele origin: germline. Affected: yes.
Comment: This variant is considered likely benign or benign based on one or more of the following criteria: it is a conservative change, it occurs at a poorly conserved position in the protein, it is predicted to be benign by multiple in silico algorithms, and/or has population frequency not consistent with disease.